The following is an entry in ClinVar:

NM_001163278.2(TENM1):c.118T>C (p.Tyr40His)

Gene: TENM1 (teneurin transmembrane protein 1; minus strand). Cytogenetic location: Xq25.
Variant type: single nucleotide variant.
Coding change: c.118T>C on transcript NM_001163278.2 (MANE Select); coding-DNA position 118, T replaced by C.
Protein change: p.Tyr40His; replaces tyrosine 40 with histidine.
Molecular consequence: missense variant.
Genome position (GRCh38, 1-based): chrX:124,963,636, A>G on the plus strand (T>C on the coding strand, the complement: TENM1 is on the minus strand). VCF-style: chrX-124963636-A-G. GRCh37 (hg19) VCF-style: chrX-124097485-A-G.
Other names: c.118T>C, p.Tyr40His (NM_001163279.1, NM_014253.3); short protein forms Y40H.
Identifiers: ClinVar variation 3048572 (VCV003048572.2), dbSNP rs36065191, ClinGen allele CA10510504.

ClinVar aggregate classification (germline): Likely benign (0 of 4 stars; one submission).

Conditions:
TENM1-related disorder. Also called: TENM1-related condition.

Allele frequency attached by ClinVar (database versions not stated): gnomAD exomes 0.00023; ExAC 0.00095; gnomAD 0.00216; TOPMed 0.00255; ESP Exome Variant Server 0.00256; 1000 Genomes Project 30x 0.00271; 1000 Genomes Project 0.00291.
gnomAD v4.1: 514 of 1,210,008 alleles (0.042%); highest among the groups gnomAD compares: African/African-American, 0.77%; 2 homozygotes.

Submission:

PreventionGenetics, part of Exact Sciences
Classification: Likely benign for TENM1-related condition. Last evaluated: 2019-03-11. Review status: no assertion criteria provided. Collection method: clinical testing. Allele origin: germline.
Comment: This variant is classified as likely benign based on ACMG/AMP sequence variant interpretation guidelines (Richards et al. 2015 PMID: 25741868, with internal and published modifications).